The following is an entry in ClinVar:

NM_001927.4(DES):c.31G>T (p.Val11Leu)

Gene: DES (desmin; plus strand). Cytogenetic location: 2q35.
Variant type: single nucleotide variant.
Coding change: c.31G>T on transcript NM_001927.4 (MANE Select); coding-DNA position 31, G replaced by T.
Protein change: p.Val11Leu; replaces valine 11 with leucine.
Molecular consequence: missense variant.
Genome position (GRCh38, 1-based): chr2:219,418,493, G>T. VCF-style: chr2-219418493-G-T. GRCh37 (hg19) VCF-style: chr2-220283215-G-T.
Other names: c.31G>T, p.Val11Leu (NM_001382708.1, NM_001382709.1, NM_001382710.1 and 3 more transcripts); short protein forms V11L.
Identifiers: ClinVar variation 2933947 (VCV002933947.3), dbSNP rs1475120487, ClinGen allele CA350682207.

ClinVar aggregate classification (germline): Uncertain significance (1 of 4 stars; one submission).

Conditions:
Desmin-related myofibrillar myopathy (MFM1). Also called: Desminopathy; Desmin related myopathy (former name); Desmin storage myopathy (former name); MYOFIBRILLAR MYOPATHY WITH ARRHYTHMOGENIC RIGHT VENTRICULAR CARDIOMYOPATHY; Myofibrillar myopathy 1; DESMIN-RELATED MYOPATHY WITH ARRHYTHMOGENIC RIGHT VENTRICULAR CARDIOMYOPATHY. Identifiers: Orphanet 363543, Orphanet 98909, MedGen C1832370, MONDO:0011076, OMIM 601419.

gnomAD v4.1: 1 of 1,601,258 alleles (0.000062%); highest among the groups gnomAD compares: Non-Finnish European, 0.000085%; no homozygotes.

Submission:

Labcorp Genetics (formerly Invitae), Labcorp
Classification: Uncertain significance for Desmin-related myofibrillar myopathy. Last evaluated: 2025-02-26. Review status: criteria provided, single submitter. Criteria: Invitae Variant Classification Sherloc (09022015). Collection method: clinical testing. Allele origin: germline.
Comment: This sequence change replaces valine, which is neutral and non-polar, with leucine, which is neutral and non-polar, at codon 11 of the DES protein (p.Val11Leu). This variant is not present in population databases (gnomAD no frequency). This variant has not been reported in the literature in individuals affected with DES-related conditions. ClinVar contains an entry for this variant (Variation ID: 2933947). Invitae Evidence Modeling of protein sequence and biophysical properties (such as structural, functional, and spatial information, amino acid conservation, physicochemical variation, residue mobility, and thermodynamic stability) indicates that this missense variant is not expected to disrupt DES protein function with a negative predictive value of 80%. In summary, the available evidence is currently insufficient to determine the role of this variant in disease. Therefore, it has been classified as a Variant of Uncertain Significance.